The following is an entry in ClinVar:

ClinVar aggregate classification (germline): Uncertain significance. Review status: criteria provided, multiple submitters, no conflicts (2 of 4 stars). 4 submissions from 4 submitters: Uncertain significance (4). Last evaluated 2024-08-23.

Conditions:
RYR1-related disorder. Also called: RYR1-related disorders; RYR1-related condition. Identifiers: MedGen CN239331.
Malignant hyperthermia, susceptibility to, 1 (MHS1). Also called: Anesthesia related hyperthermia; Malignant hyperpyrexia; Fulminating hyperpyrexia; Pharmacogenic myopathy; RYR1-Related Malignant Hyperthermia Susceptibility; Malignant hyperthermia suceptibility 1. Identifiers: Orphanet 423, MedGen C2930980, MONDO:0007783, OMIM 145600.

Allele frequency attached by ClinVar (database versions not stated): gnomAD exomes below 0.00001; TOPMed below 0.00001; ExAC 0.00001.
gnomAD v4.1: 2 of 1,613,748 alleles (0.00012%); highest among the groups gnomAD compares: Admixed American, 0.0033%; no homozygotes.

Submissions (4):

All of Us Research Program, National Institutes of Health
Classification: Uncertain significance for Malignant hyperthermia, susceptibility to, 1. Last evaluated: 2024-08-23. Review status: criteria provided, single submitter. Criteria: ACMG Guidelines, 2015. Collection method: clinical testing. Allele origin: germline. Inheritance: Autosomal dominant inheritance. Observed: 1 variant allele, 1 heterozygote.
Comment: This missense variant replaces isoleucine with methionine at codon 2242 of the RYR1 protein. Computational prediction is inconclusive regarding the impact of this variant on protein structure and function. To our knowledge, functional studies have not been reported for this variant. This variant has not been reported in individuals affected with autosomal dominant malignant hyperthermia in the literature. This variant has been identified in 1/251144 chromosomes in the general population by the Genome Aggregation Database (gnomAD). The available evidence is insufficient to determine the role of this variant in disease conclusively. Therefore, this variant is classified as a Variant of Uncertain Significance.

This study involves interpretation of variants in research participants for the purpose of population health screening. Participant phenotype was not available at the time of variant classification. Additional details can be found in publication PMID: 35346344, PMCID: PMC8962531

Color Diagnostics, LLC DBA Color Health
Classification: Uncertain significance for Malignant hyperthermia, susceptibility to, 1. Last evaluated: 2024-08-07. Review status: criteria provided, single submitter. Criteria: ACMG Guidelines, 2015. Collection method: clinical testing. Allele origin: germline.
Comment: This missense variant replaces isoleucine with methionine at codon 2242 of the RYR1 protein. Computational prediction is inconclusive regarding the impact of this variant on protein structure and function. To our knowledge, functional studies have not been reported for this variant. This variant has not been reported in individuals affected with autosomal dominant malignant hyperthermia in the literature. This variant has been identified in 1/251144 chromosomes in the general population by the Genome Aggregation Database (gnomAD). The available evidence is insufficient to determine the role of this variant in disease conclusively. Therefore, this variant is classified as a Variant of Uncertain Significance.

Labcorp Genetics (formerly Invitae), Labcorp
Classification: Uncertain significance for RYR1-related disorder. Last evaluated: 2024-06-19. Review status: criteria provided, single submitter. Criteria: Invitae Variant Classification Sherloc (09022015). Collection method: clinical testing. Allele origin: germline.
Comment: This sequence change replaces isoleucine, which is neutral and non-polar, with methionine, which is neutral and non-polar, at codon 2242 of the RYR1 protein (p.Ile2242Met). This variant is present in population databases (rs771658147, gnomAD 0.003%). This variant has not been reported in the literature in individuals affected with RYR1-related conditions. ClinVar contains an entry for this variant (Variation ID: 590573). Advanced modeling of protein sequence and biophysical properties (such as structural, functional, and spatial information, amino acid conservation, physicochemical variation, residue mobility, and thermodynamic stability) has been performed at Invitae for this missense variant, however the output from this modeling did not meet the statistical confidence thresholds required to predict the impact of this variant on RYR1 protein function. In summary, the available evidence is currently insufficient to determine the role of this variant in disease. Therefore, it has been classified as a Variant of Uncertain Significance.

PreventionGenetics, part of Exact Sciences
Classification: Uncertain significance. Last evaluated: 2015-09-15. Review status: criteria provided, single submitter. Criteria: ACMG Guidelines, 2015. Collection method: clinical testing. Allele origin: germline.

NM_000540.3(RYR1):c.6726C>G (p.Ile2242Met)

Gene: RYR1 (ryanodine receptor 1; plus strand). Cytogenetic location: 19q13.2.
Variant type: single nucleotide variant.
Coding change: c.6726C>G on transcript NM_000540.3 (MANE Select); coding-DNA position 6726, C replaced by G.
Protein change: p.Ile2242Met; replaces isoleucine 2242 with methionine.
Molecular consequence: missense variant.
Genome position (GRCh38, 1-based): chr19:38,496,471, C>G. VCF-style: chr19-38496471-C-G. GRCh37 (hg19) VCF-style: chr19-38987111-C-G.
Other names: c.6726C>G, p.Ile2242Met (NM_001042723.2); short protein forms I2242M.
Identifiers: ClinVar variation 590573 (VCV000590573.10), dbSNP rs771658147, ClinGen allele CA068603.